The following is an entry in ClinVar:

NM_000350.3(ABCA4):c.5377G>A (p.Val1793Met)

Gene: ABCA4 (ATP binding cassette subfamily A member 4; minus strand). Cytogenetic location: 1p22.1.
Variant type: single nucleotide variant.
Coding change: c.5377G>A on transcript NM_000350.3 (MANE Select); coding-DNA position 5377, G replaced by A.
Protein change: p.Val1793Met; replaces valine 1793 with methionine.
Molecular consequence: missense variant.
Genome position (GRCh38, 1-based): chr1:94,014,626, C>T on the plus strand (G>A on the coding strand, the complement: ABCA4 is on the minus strand). VCF-style: chr1-94014626-C-T. GRCh37 (hg19) VCF-style: chr1-94480182-C-T.
Other names: c.5155G>A, p.Val1719Met (NM_001425324.1); short protein forms V1793M, V1719M.
Identifiers: ClinVar variation 1048142 (VCV001048142.3), dbSNP rs1659672463, ClinGen allele CA341281404.

ClinVar aggregate classification (germline): Pathogenic/Likely pathogenic. Review status: criteria provided, multiple submitters, no conflicts (2 of 4 stars). 2 submissions from 2 submitters: Pathogenic (1); Likely pathogenic (1). Last evaluated 2024-09-29.

Conditions:
Severe early-childhood-onset retinal dystrophy (STGD1). Also called: STGD; Stargardt macular dystrophy; Juvenile onset macular degeneration; Stargardt disease 1; MACULAR DYSTROPHY WITH FLECKS, TYPE 1. Identifiers: Orphanet 364055, Orphanet 827, MedGen C1855465, MeSH D000080362, MONDO:0009549, OMIM 248200.

Allele frequency attached by ClinVar (database versions not stated): gnomAD exomes below 0.00001.
gnomAD v4.1: 2 of 1,614,206 alleles (0.00012%); highest among the groups gnomAD compares: Non-Finnish European, 0.00017%; no homozygotes.

Submissions (2):

Labcorp Genetics (formerly Invitae), Labcorp
Classification: Pathogenic. Last evaluated: 2024-09-29. Review status: criteria provided, single submitter. Criteria: Invitae Variant Classification Sherloc (09022015). Collection method: clinical testing. Allele origin: germline.
Comment: This sequence change replaces valine, which is neutral and non-polar, with methionine, which is neutral and non-polar, at codon 1793 of the ABCA4 protein (p.Val1793Met). This variant is not present in population databases (gnomAD no frequency). This missense change has been observed in individual(s) with Stargardt disease (PMID: 28559085, 32619608). In at least one individual the data is consistent with being in trans (on the opposite chromosome) from a pathogenic variant. ClinVar contains an entry for this variant (Variation ID: 1048142). Invitae Evidence Modeling of protein sequence and biophysical properties (such as structural, functional, and spatial information, amino acid conservation, physicochemical variation, residue mobility, and thermodynamic stability) indicates that this missense variant is expected to disrupt ABCA4 protein function with a positive predictive value of 95%. For these reasons, this variant has been classified as Pathogenic.

Institute of Medical Molecular Genetics, University of Zurich
Classification: Likely pathogenic for Severe early-childhood-onset retinal dystrophy. Last evaluated: 2021-01-30. Review status: criteria provided, single submitter. Criteria: ACMG Guidelines, 2015. Collection method: clinical testing. Allele origin: unknown. Affected: yes.

Literature cited by the submitters: PubMed 28559085 (cited by Labcorp Genetics (formerly Invitae), Labcorp); PubMed 32619608 (cited by Labcorp Genetics (formerly Invitae), Labcorp).